The following is an entry in ClinVar:

NM_001145809.2(MYH14):c.381G>C (p.Glu127Asp)

Gene: MYH14 (myosin heavy chain 14; plus strand). Cytogenetic location: 19q13.33.
Variant type: single nucleotide variant.
Coding change: c.381G>C on transcript NM_001145809.2 (MANE Select); coding-DNA position 381, G replaced by C.
Protein change: p.Glu127Asp; replaces glutamic acid 127 with aspartic acid.
Molecular consequence: missense variant.
Genome position (GRCh38, 1-based): chr19:50,210,746, G>C. VCF-style: chr19-50210746-G-C. GRCh37 (hg19) VCF-style: chr19-50714003-G-C.
Other names: c.381G>C, p.Glu127Asp (NM_001077186.2, NM_024729.4); short protein forms E127D.
Identifiers: ClinVar variation 2507238 (VCV002507238.1), dbSNP rs1037899945, ClinGen allele CA406946768.
Genomic context (GRCh38, chr19:50,210,746, plus strand): 5'-CGAGGACATGGCCGAGCTGACCTGCCTCAACGAGGCCTCGGTCCTGCACAACCTCCGGGA[G>C]CGGTACTACTCCGGCCTCATCTACGTGAGTGGGCTCCTGCTGGGGGGCGCGTGCGGCGGA-3'
Protein context (NP_001139281.1, residues 117-137): NEASVLHNLR[Glu127Asp]RYYSGLIYTY

ClinVar aggregate classification (germline): Uncertain significance (1 of 4 stars; one submission).

Allele frequency attached by ClinVar (database versions not stated): 1000 Genomes Project 30x 0.00016.
gnomAD v4.1: 9 of 1,580,894 alleles (0.00057%); highest among the groups gnomAD compares: Middle Eastern, 0.033%; no homozygotes.

Submission:

GeneDx
Classification: Uncertain significance. Last evaluated: 2022-12-27. Review status: criteria provided, single submitter. Criteria: GeneDx Variant Classification Process June 2021. Collection method: clinical testing. Allele origin: germline. Affected: yes.
Comment: Not observed at significant frequency in large population cohorts (gnomAD); In silico analysis supports that this missense variant does not alter protein structure/function; Has not been previously published as pathogenic or benign to our knowledge